The following is an entry in ClinVar:

ClinVar aggregate classification (germline): Benign. Review status: criteria provided, single submitter (1 of 4 stars). 2 submissions from 2 submitters: Benign (1). 1 of the submissions does not count toward it. Last evaluated 2024-10-07.

Conditions:
PDHA1-related disorder. Also called: PDHA1-related condition.

Submissions (2):

Blueprint Genetics
Classification: Benign. Last evaluated: 2024-10-07. Review status: criteria provided, single submitter. Criteria: ACMG Guidelines, 2015. Collection method: clinical testing. Allele origin: germline.

PreventionGenetics, part of Exact Sciences
Classification: Likely benign for PDHA1-related condition. Last evaluated: 2024-01-23. Review status: no assertion criteria provided. Collection method: clinical testing. Allele origin: germline. Not counted in ClinVar's aggregate classification.
Comment: This variant is classified as likely benign based on ACMG/AMP sequence variant interpretation guidelines (Richards et al. 2015 PMID: 25741868, with internal and published modifications).

NM_000284.4(PDHA1):c.*83AATGAAATTC[1]

Gene: PDHA1 (pyruvate dehydrogenase E1 subunit alpha 1; plus strand). Cytogenetic location: Xp22.12.
Variant type: Microsatellite.
Coding change: c.*83AATGAAATTC[1] on transcript NM_000284.4 (MANE Select); one copy of the 10-base unit AATGAAATTC starting at c.*83; the reference has two copies in a row; one copy, 10 bases deleted.
Molecular consequence: 3 prime UTR variant.
Genome position (GRCh38, 1-based): chrX:19,359,746-19,359,755, AATGAAATTC deleted; deleting any 10 consecutive bases within chrX:19,359,734-19,359,755 gives the same sequence; the position shown is the placement nearest the transcript's 3' end. VCF-style (leftmost placement, unchanged base first): chrX-19359733-GTCAATGAAAT-G. GRCh37 (hg19) VCF-style: chrX-19377851-GTCAATGAAAT-G.
Other names: c.*83AATGAAATTC[1] (NM_001173454.2, NM_001173455.2, NM_001173456.2).
Identifiers: ClinVar variation 3041726 (VCV003041726.3), dbSNP rs753648108, ClinGen allele CA10363245.